The following is an entry in ClinVar:

ClinVar aggregate classification (germline): Uncertain significance (1 of 4 stars; one submission).

Submission:

Labcorp Genetics (formerly Invitae), Labcorp
Classification: Uncertain significance. Last evaluated: 2024-03-18. Review status: criteria provided, single submitter. Criteria: Invitae Variant Classification Sherloc (09022015). Collection method: clinical testing. Allele origin: germline.
Comment: This sequence change replaces leucine, which is neutral and non-polar, with valine, which is neutral and non-polar, at codon 15 of the WDR87 protein (p.Leu15Val). This variant is not present in population databases (gnomAD no frequency). This variant has not been reported in the literature in individuals affected with WDR87-related conditions. An algorithm developed to predict the effect of missense changes on protein structure and function (PolyPhen-2) suggests that this variant is likely to be tolerated. In summary, the available evidence is currently insufficient to determine the role of this variant in disease. Therefore, it has been classified as a Variant of Uncertain Significance.

NM_001291088.2(WDR87):c.43C>G (p.Leu15Val)

Gene: WDR87 (WD repeat domain 87; minus strand). Cytogenetic location: 19q13.13.
Variant type: single nucleotide variant.
Coding change: c.43C>G on transcript NM_001291088.2 (MANE Select); coding-DNA position 43, C replaced by G.
Protein change: p.Leu15Val; replaces leucine 15 with valine.
Molecular consequence: missense variant.
Genome position (GRCh38, 1-based): chr19:37,898,197, G>C on the plus strand (C>G on the coding strand, the complement: WDR87 is on the minus strand). VCF-style: chr19-37898197-G-C. GRCh37 (hg19) VCF-style: chr19-38388837-G-C.
Other names: c.43C>G, p.Leu15Val (NM_031951.5); short protein forms L15V.
Identifiers: ClinVar variation 3643330 (VCV003643330.2).